The following is an entry in ClinVar:

ClinVar aggregate classification (germline): Pathogenic (1 of 4 stars; one submission).

Submission:

Labcorp Genetics (formerly Invitae), Labcorp
Classification: Pathogenic. Last evaluated: 2021-10-21. Review status: criteria provided, single submitter. Criteria: Invitae Variant Classification Sherloc (09022015). Collection method: clinical testing. Allele origin: germline.
Comment: For these reasons, this variant has been classified as Pathogenic. This sequence change creates a premature translational stop signal (p.Asn150Thrfs*50) in the LZTR1 gene. It is expected to result in an absent or disrupted protein product. Loss-of-function variants in LZTR1 are known to be pathogenic (PMID: 24362817, 25335493, 25480913, 25795793, 29469822, 30442762, 30442766, 30481304, 30859559). This variant is not present in population databases (ExAC no frequency). This variant has not been reported in the literature in individuals affected with LZTR1-related conditions.

Literature cited by the submitters: PubMed 24362817; PubMed 25335493; PubMed 25480913; PubMed 25795793; PubMed 29469822; PubMed 30442762; PubMed 30442766; PubMed 30481304; PubMed 30859559.

NM_006767.4(LZTR1):c.449del (p.Asn150fs)

Gene: LZTR1 (leucine zipper like post translational regulator 1; plus strand). Cytogenetic location: 22q11.21.
Variant type: Deletion.
Coding change: c.449del on transcript NM_006767.4 (MANE Select); coding-DNA position 449, one base deleted (A; older notation c.449delA).
Protein change: p.Asn150fs; shifts the reading frame from asparagine 150.
Molecular consequence: frameshift variant.
Genome position (GRCh38, 1-based): chr22:20,988,058, A deleted; the last of 5 consecutive A bases (chr22:20,988,054-20,988,058); deleting any one gives the same sequence. VCF-style (leftmost placement, unchanged base first): chr22-20988053-TA-T. GRCh37 (hg19) VCF-style: chr22-21342342-TA-T.
Other names: short protein forms N150fs.
Identifiers: ClinVar variation 1453629 (VCV001453629.6), dbSNP rs1221957730, ClinGen allele CA751577987.